The following is an entry in ClinVar:

ClinVar aggregate classification (germline): Uncertain significance (1 of 4 stars; one submission).

Submission:

GeneDx
Classification: Uncertain significance. Last evaluated: 2023-06-28. Review status: criteria provided, single submitter. Criteria: GeneDx Variant Classification Process June 2021. Collection method: clinical testing. Allele origin: germline. Affected: yes.
Comment: Not observed at significant frequency in large population cohorts (gnomAD); In silico analysis supports that this missense variant has a deleterious effect on protein structure/function; Has not been previously published as pathogenic or benign to our knowledge

NM_001690.4(ATP6V1A):c.536T>C (p.Ile179Thr)

Gene: ATP6V1A (ATPase H+ transporting V1 subunit A; plus strand). Cytogenetic location: 3q13.31.
Variant type: single nucleotide variant.
Coding change: c.536T>C on transcript NM_001690.4 (MANE Select); coding-DNA position 536, T replaced by C.
Protein change: p.Ile179Thr; replaces isoleucine 179 with threonine.
Molecular consequence: missense variant.
Genome position (GRCh38, 1-based): chr3:113,784,805, T>C. VCF-style: chr3-113784805-T-C. GRCh37 (hg19) VCF-style: chr3-113503652-T-C.
Other names: short protein forms I179T.
Identifiers: ClinVar variation 3360621 (VCV003360621.1).